The following is an entry in ClinVar:

NM_014244.5(ADAMTS2):c.1136_1137del (p.Tyr379fs)

Gene: ADAMTS2 (ADAM metallopeptidase with thrombospondin type 1 motif 2; minus strand). Cytogenetic location: 5q35.3.
Variant type: Deletion.
Coding change: c.1136_1137del on transcript NM_014244.5 (MANE Select); coding-DNA positions 1136 to 1137, 2 bases deleted (AT; older notation c.1136_1137delAT).
Protein change: p.Tyr379fs; shifts the reading frame from tyrosine 379.
Molecular consequence: frameshift variant.
Genome position (GRCh38, 1-based): chr5:179,154,915-179,154,916, AT deleted on the plus strand (AT on the coding strand, the reverse complement: ADAMTS2 is on the minus strand); deleting any 2 consecutive bases within chr5:179,154,915-179,154,917 gives the same sequence; the c. name uses the placement nearest the transcript's 3' end. VCF-style (leftmost placement, unchanged base first): chr5-179154914-CAT-C. GRCh37 (hg19) VCF-style: chr5-178581915-CAT-C.
Other names: c.1136_1137del, p.Tyr379fs (NM_021599.4); short protein forms Y379fs.
Identifiers: ClinVar variation 5015344 (VCV005015344.1).

ClinVar aggregate classification (germline): Pathogenic (1 of 4 stars; one submission).

Conditions:
Ehlers-Danlos syndrome, dermatosparaxis type. Also called: EDS VIIC; Dermatosparaxis; Ehlers-Danlos syndrome, type VII, autosomal recessive. Identifiers: Orphanet 1901, MedGen C2700425, MONDO:0009161, OMIM 225410.

Submission:

Myriad Genetics, Inc.
Classification: Pathogenic for Ehlers-Danlos syndrome, dermatosparaxis type. Last evaluated: 2025-12-19. Review status: criteria provided, single submitter. Criteria: Myriad Autosomal Dominant, Autosomal Recessive and X-Linked Classification Criteria (2023). Collection method: clinical testing. Allele origin: unknown.
Comment: NM_014244.4(ADAMTS2):c.1136_1137delAT(Y379Cfs*18) is expected to be pathogenic in the context of Ehlers-Danlos syndrome, ADAMTS2-related. This variant is predicted to lead to an abnormal or absent protein product due to the creation of a premature termination codon in ADAMTS2, a gene where loss-of-function variants are known to be pathogenic. Please note: this variant was assessed in the context of healthy population screening.